The following is an entry in ClinVar:

ClinVar aggregate classification (germline): Uncertain significance (1 of 4 stars; one submission).

Conditions:
Hereditary cancer-predisposing syndrome. Also called: Neoplastic Syndromes, Hereditary; Tumor predisposition; Hereditary neoplastic syndrome; Hereditary Cancer Syndrome. Identifiers: Orphanet 140162, MedGen C0027672, MeSH D009386, MONDO:0015356.

gnomAD v4.1: 1 of 1,338,330 alleles (0.000075%); highest among the groups gnomAD compares: Non-Finnish European, 0.000095%; no homozygotes.

Submission:

Ambry Genetics
Classification: Uncertain significance for Hereditary cancer-predisposing syndrome. Last evaluated: 2026-07-06. Review status: criteria provided, single submitter. Criteria: Ambry Variant Classification Scheme 2023. Collection method: clinical testing. Allele origin: germline.
Comment: The p.G233E variant (also known as c.698G>A), located in coding exon 3 of the PHOX2B gene, results from a G to A substitution at nucleotide position 698. The glycine at codon 233 is replaced by glutamic acid, an amino acid with similar properties. This amino acid position is conserved. In addition, the in silico prediction for this alteration is inconclusive. Based on the available evidence, the clinical significance of this variant remains unclear.

NM_003924.4(PHOX2B):c.698G>A (p.Gly233Glu)

Gene: PHOX2B (paired like homeobox 2B; minus strand). Cytogenetic location: 4p13.
Variant type: single nucleotide variant.
Coding change: c.698G>A on transcript NM_003924.4 (MANE Select); coding-DNA position 698, G replaced by A.
Protein change: p.Gly233Glu; replaces glycine 233 with glutamic acid.
Molecular consequence: missense variant.
Genome position (GRCh38, 1-based): chr4:41,746,054, C>T on the plus strand (G>A on the coding strand, the complement: PHOX2B is on the minus strand). VCF-style: chr4-41746054-C-T. GRCh37 (hg19) VCF-style: chr4-41748071-C-T.
Other names: short protein forms G233E.
Identifiers: ClinVar variation 5026544 (VCV005026544.1).